The following is an entry in ClinVar:

NM_000233.4(LHCGR):c.1591A>G (p.Ile531Val)

Genes: LHCGR (luteinizing hormone/choriogonadotropin receptor; minus strand), STON1-GTF2A1L (STON1-GTF2A1L readthrough; plus strand). Cytogenetic location: 2p16.3.
Variant type: single nucleotide variant.
Coding change: c.1591A>G on transcript NM_000233.4 (MANE Select); coding-DNA position 1591, A replaced by G.
Protein change: p.Ile531Val; replaces isoleucine 531 with valine.
Molecular consequence: missense variant. On other transcripts: intron variant (1).
Genome position (GRCh38, 1-based): chr2:48,688,206, T>C on the plus strand (A>G on the coding strand, the complement: LHCGR is on the minus strand). VCF-style: chr2-48688206-T-C. GRCh37 (hg19) VCF-style: chr2-48915345-T-C.
Other names: c.3441+16526T>C (NM_001198593.2); short protein forms I531V.
Identifiers: ClinVar variation 4738337 (VCV004738337.1).
Genomic context (GRCh38, chr2:48,688,206, plus strand): 5'-AATAAATTTTAATGTAGCAAGCACAAATTATGAAGAAGGCCACCACATTGAGAATCAGGA[T>C]GGTTAATATATAGACTTGTGAGAGAGTGGTTTCCACATCCATGGGGAAGCAAATACTGAC-3'
Protein context (NP_000224.2, residues 521-541): TTLSQVYILT[Ile531Val]LILNVVAFFI

ClinVar aggregate classification (germline): Uncertain significance (1 of 4 stars; one submission).

Submission:

Labcorp Genetics (formerly Invitae), Labcorp
Classification: Uncertain significance. Last evaluated: 2025-07-13. Review status: criteria provided, single submitter. Criteria: Invitae Variant Classification Sherloc (09022015). Collection method: clinical testing. Allele origin: germline.
Comment: This sequence change replaces isoleucine, which is neutral and non-polar, with valine, which is neutral and non-polar, at codon 531 of the LHCGR protein (p.Ile531Val). This variant is not present in population databases (gnomAD no frequency). This variant has not been reported in the literature in individuals affected with LHCGR-related conditions. Invitae Evidence Modeling of protein sequence and biophysical properties (such as structural, functional, and spatial information, amino acid conservation, physicochemical variation, residue mobility, and thermodynamic stability) indicates that this missense variant is not expected to disrupt LHCGR protein function with a negative predictive value of 80%. In summary, the available evidence is currently insufficient to determine the role of this variant in disease. Therefore, it has been classified as a Variant of Uncertain Significance.